The following is an entry in ClinVar:

ClinVar aggregate classification (germline): Pathogenic. Review status: criteria provided, multiple submitters, no conflicts (2 of 4 stars). 12 submissions from 12 submitters: Pathogenic (11). 1 of the submissions does not count toward it. Last evaluated 2025-10-20.

Conditions:
COL1A1-related disorder. Also called: COL1A1-related condition; COL1A1- related disease.
Osteogenesis imperfecta type III (OI3). Also called: Progressively Deforming Osteogenesis Imperfecta; Osteogenesis imperfecta type 3; OI type 3; Osteogenesis imperfecta, progressively deforming with normal sclerae; OI type III. Identifiers: Orphanet 216812, Orphanet 666, MedGen C0268362, MONDO:0009804, OMIM 259420.
Osteogenesis imperfecta type I (OI1). Also called: OI, TYPE I; OSTEOGENESIS IMPERFECTA TARDA; OSTEOGENESIS IMPERFECTA WITH BLUE SCLERAE; Osteogenesis imperfecta type 1; Classic Non-deforming Osteogenesis Imperfecta with Blue Sclerae; Lobstein's Disease. Identifiers: Orphanet 216796, Orphanet 666, MedGen C0023931, MONDO:0008146, OMIM 166200. Disease mechanism: loss of function.

Submissions 1 to 9 of 12:

Dasa
Classification: Pathogenic. Last evaluated: 2025-10-20. Review status: criteria provided, single submitter. Criteria: DASA Assertion Criteria. Collection method: clinical testing. Allele origin: germline.
Comment: NM_000088.4(COL1A1):c.2596G>A (p.Gly866Ser) is a missense variant that results in the substitution of glycine with serine. The affected residue or protein region has prior evidence supporting clinical relevance. De novo occurrence has been reported in an individual with related phenotype. Functional evidence supports a deleterious effect on the gene or gene product (PMID: 10408781; PMID: 27509835; PMID: 30675999; PMID: 30131598; PMID: 33939306). This variant has been recurrently observed in individuals with related phenotype (PMID: 10408781; PMID: 27509835; PMID: 30675999; PMID: 30131598; PMID: 33939306). Multiple computational predictions support a deleterious effect on the gene or gene product. The variant is present at low frequency in population datasets. Based on the available data, this variant is classified as pathogenic.

PreventionGenetics, part of Exact Sciences
Classification: Pathogenic for COL1A1-related condition. Last evaluated: 2025-08-27. Review status: criteria provided, single submitter. Criteria: ACMG Guidelines, 2015. Collection method: clinical testing. Allele origin: germline.
Comment: The COL1A1 c.2596G>A variant is predicted to result in the amino acid substitution p.Gly866Ser. This variant has been reported to be causative for osteogenesis imperfecta (see examples: Table S1, Bardai et al. 2016. PubMed ID: 27509835; Table S1, Malmgren et al. 2017. PubMed ID: 27510842), including multiple cases reported to occur de novo (see examples: Yin et al. 2018. PubMed ID: 30131598; Zhytnik et al. 2019. PubMed ID: 30675999; Li et al. 2019. PubMed ID: 30715774). This variant has not been reported in a large population database (gnomAD), indicating this variant is rare. The p.Gly866 amino acid is located in the conserved Gly-Xaa-Yaa triple helical domain where substitutions of a glycine are usually pathogenic (Marini et al. 2007. PubMed ID: 17078022). This variant is interpreted as pathogenic.

Victorian Clinical Genetics Services, Murdoch Childrens Research Institute
Classification: Pathogenic for Osteogenesis imperfecta type III. Last evaluated: 2025-06-26. Review status: criteria provided, single submitter. Criteria: ACMG Guidelines, 2015. Collection method: clinical testing. Allele origin: germline. Affected: yes.
Comment: This variant is classified as Pathogenic. Evidence in support of pathogenic classification: Variant is absent from gnomAD (v2, v3 and v4); This variant has strong previous evidence of pathogenicity in unrelated individuals. This variant has been classified as pathogenic by clinical laboratories in ClinVar, and reported in the literature in individuals with osteogenesis imperfecta (PMIDs: 38828893, 38102329, 29988651, 33939306, 17078022, 37810882); Variant is located in the well-established functional Gly-X-Y motif (DECIPHER); Missense variant predicted to be damaging by in silico tool(s) or highly conserved with a major amino acid change. Additional information: Variant is predicted to result in a missense amino acid change from glycine to serine; This variant is heterozygous; This gene is associated with autosomal dominant disease; Dominant negative and loss of function are known mechanisms of disease in this gene and are associated with osteogenesis imperfecta (OI) types I-IV, and other conditions (OMIM). Variants resulting in a premature termination codon are known to have a loss of function effect on protein, while missense variants affecting the G-X-Y of a triple helix motif have a dominant negative effect (PMIDs: 27509835, 12362985); Variants in this gene are known to have variable expressivity (PMID: 20301472); Inheritance information for this variant is not currently available in this individual.

Clinical Biomedical Laboratory, Shriners Hospital For Children - Canada
Classification: Pathogenic for Osteogenesis imperfecta type III. Last evaluated: 2025-05-23. Review status: criteria provided, single submitter. Criteria: ACMG Guidelines, 2015. Collection method: clinical testing. Allele origin: germline. Affected: yes.
Comment: This variant is predicted to substitute a glycine residue by a serine residue in the triple helical domain of collagen type I alpha1 chain. Glycine substitutions in the triple helical domain of collagen type I cause disruption in the formation of the triple helix in the collagen molecule and are a typical cause of osteogenesis imperfecta. In the Genome Aggregation Database (gnomAD v2.1.1) this variant is not present. The variant is predicted to be deleterious to protein function (Revel 0.98). This variant has been reported in the literature (e.g., PMID: 27509835). We have previously observed this variant in the Shriners Hospital for Children variant database in 15 individuals with osteogenesis imperfecta.

Labcorp Genetics (formerly Invitae), Labcorp
Classification: Pathogenic for Osteogenesis imperfecta type I. Last evaluated: 2024-03-01. Review status: criteria provided, single submitter. Criteria: Invitae Variant Classification Sherloc (09022015). Collection method: clinical testing. Allele origin: germline.
Comment: This sequence change replaces glycine, which is neutral and non-polar, with serine, which is neutral and polar, at codon 866 of the COL1A1 protein (p.Gly866Ser). This variant is not present in population databases (gnomAD no frequency). This missense change has been observed in individual(s) with osteogenesis imperfecta (PMID: 10408781, 27509835, 30675999). In at least one individual the variant was observed to be de novo. ClinVar contains an entry for this variant (Variation ID: 425612). Advanced modeling of protein sequence and biophysical properties (such as structural, functional, and spatial information, amino acid conservation, physicochemical variation, residue mobility, and thermodynamic stability) performed at Invitae indicates that this missense variant is expected to disrupt COL1A1 protein function with a positive predictive value of 95%. This variant disrupts the triple helix domain of COL1A1. Glycine residues within the Gly-Xaa-Yaa repeats of the triple helix domain are required for the structure and stability of fibrillar collagens (PMID: 7695699, 8218237, 19344236). In COL1A1, variants affecting these glycine residues are significantly enriched in individuals with disease (PMID: 9016532, 17078022) compared to the general population (ExAC). For these reasons, this variant has been classified as Pathogenic.

Blueprint Genetics
Classification: Pathogenic for COL1A1-related disorders. Last evaluated: 2023-08-04. Review status: criteria provided, single submitter. Criteria: ACMG Guidelines, 2015. Collection method: clinical testing. Allele origin: germline. Affected: yes. Observed: 3 variant alleles.

Centre of Medical Genetics, University Hospital Muenster
Classification: Pathogenic. Last evaluated: 2022-12-28. Review status: criteria provided, single submitter. Criteria: ACMG Guidelines, 2015. Collection method: clinical testing. Allele origin: de novo. Affected: yes. Observed: 1 variant allele, 1 heterozygote.
Comment: ACMG categories: PS2,PM1,PM2,PP3,PP5

GeneDx
Classification: Pathogenic. Last evaluated: 2022-07-14. Review status: criteria provided, single submitter. Criteria: GeneDx Variant Classification Process June 2021. Collection method: clinical testing. Allele origin: germline. Affected: yes.
Comment: Occurs in the triple helical domain and replaces a glycine in a canonical Gly-X-Y repeat; missense substitution of a canonical glycine residue is expected to disrupt normal protein folding and function, and this is an established mechanism of disease (Jovanovic et al., 2021); Not observed at significant frequency in large population cohorts (gnomAD); In silico analysis supports that this missense variant has a deleterious effect on protein structure/function; This variant is associated with the following publications: (PMID: 27510842, 30131598, 10408781, 18670065, 27519266, 25944380, 30715774, 30675999, 29988651, 32166892, 31715670, 33939306, 27509835)

Genesolutions, Medical Genetics Institutes, Ho Chi Minh City, Vietnam
Classification: Pathogenic for Osteogenesis imperfecta type III. Last evaluated: 2022-06-22. Review status: criteria provided, single submitter. Criteria: ACMG Guidelines, 2015. Collection method: clinical testing. Allele origin: de novo. Affected: yes. Observed: 1 variant allele.

NM_000088.4(COL1A1):c.2596G>A (p.Gly866Ser)

Gene: COL1A1 (collagen type I alpha 1 chain; minus strand). Cytogenetic location: 17q21.33.
Variant type: single nucleotide variant.
Coding change: c.2596G>A on transcript NM_000088.4 (MANE Select); coding-DNA position 2596, G replaced by A.
Protein change: p.Gly866Ser; replaces glycine 866 with serine.
Molecular consequence: missense variant.
Genome position (GRCh38, 1-based): chr17:50,189,876, C>T on the plus strand (G>A on the coding strand, the complement: COL1A1 is on the minus strand). VCF-style: chr17-50189876-C-T. GRCh37 (hg19) VCF-style: chr17-48267237-C-T.
Other names: c.2596G>A (LRG_1t1); short protein forms G866S.
Identifiers: ClinVar variation 425612 (VCV000425612.25), dbSNP rs67445413, ClinGen allele CA291543260.